The following is an entry in ClinVar:

ClinVar aggregate classification (germline): Uncertain significance. Review status: criteria provided, multiple submitters, no conflicts (2 of 4 stars). 2 submissions from 2 submitters: Uncertain significance (2). Last evaluated 2022-03-26.

Conditions:
Alstrom syndrome (ALMS). Identifiers: Orphanet 64, MedGen C0268425, MONDO:0008763, OMIM 203800.
Cardiovascular phenotype. Identifiers: MedGen CN230736.

Allele frequency attached by ClinVar (database versions not stated): gnomAD exomes below 0.00001.
gnomAD v4.1: 1 of 1,613,696 alleles (0.000062%); highest among the groups gnomAD compares: Non-Finnish European, 0.000085%; no homozygotes.

Submissions (2):

Labcorp Genetics (formerly Invitae), Labcorp
Classification: Uncertain significance for Alstrom syndrome. Last evaluated: 2022-03-26. Review status: criteria provided, single submitter. Criteria: Invitae Variant Classification Sherloc (09022015). Collection method: clinical testing. Allele origin: germline.
Comment: This sequence change replaces isoleucine, which is neutral and non-polar, with valine, which is neutral and non-polar, at codon 1626 of the ALMS1 protein (p.Ile1626Val). This variant is not present in population databases (gnomAD no frequency). This variant has not been reported in the literature in individuals affected with ALMS1-related conditions. Experimental studies and prediction algorithms are not available or were not evaluated, and the functional significance of this variant is currently unknown. In summary, the available evidence is currently insufficient to determine the role of this variant in disease. Therefore, it has been classified as a Variant of Uncertain Significance.

Ambry Genetics
Classification: Uncertain significance for Cardiovascular phenotype. Last evaluated: 2019-08-29. Review status: criteria provided, single submitter. Criteria: Ambry Variant Classification Scheme 2023. Collection method: clinical testing. Allele origin: germline.
Comment: The p.I1626V variant (also known as c.4876A>G), located in coding exon 8 of the ALMS1 gene, results from an A to G substitution at nucleotide position 4876. The isoleucine at codon 1626 is replaced by valine, an amino acid with highly similar properties. This amino acid position is not well conserved in available vertebrate species. In addition, this alteration is predicted to be tolerated by in silico analysis. Since supporting evidence is limited at this time, the clinical significance of this alteration remains unclear.

NM_001378454.1(ALMS1):c.4873A>G (p.Ile1625Val)

Gene: ALMS1 (ALMS1 centrosome and basal body associated protein; plus strand). Cytogenetic location: 2p13.1.
Variant type: single nucleotide variant.
Coding change: c.4873A>G on transcript NM_001378454.1 (MANE Select); coding-DNA position 4873, A replaced by G.
Protein change: p.Ile1625Val; replaces isoleucine 1625 with valine.
Molecular consequence: missense variant.
Genome position (GRCh38, 1-based): chr2:73,451,400, A>G. VCF-style: chr2-73451400-A-G. GRCh37 (hg19) VCF-style: chr2-73678527-A-G.
Other names: c.4876A>G, p.Ile1626Val (NM_015120.4); short protein forms I1626V, I1625V.
Identifiers: ClinVar variation 1743749 (VCV001743749.4), dbSNP rs2466103076, ClinGen allele CA347279440.